The following is an entry in ClinVar:

ClinVar aggregate classification (germline): Uncertain significance (1 of 4 stars; one submission).

Conditions:
Hereditary cancer-predisposing syndrome. Also called: Neoplastic Syndromes, Hereditary; Tumor predisposition; Hereditary Cancer Syndrome; Hereditary neoplastic syndrome. Identifiers: Orphanet 140162, MedGen C0027672, MeSH D009386, MONDO:0015356.

Submission:

Ambry Genetics
Classification: Uncertain significance for Hereditary cancer-predisposing syndrome. Last evaluated: 2025-10-28. Review status: criteria provided, single submitter. Criteria: Ambry Variant Classification Scheme 2023. Collection method: clinical testing. Allele origin: germline.
Comment: The p.V266A variant (also known as c.797T>C), located in coding exon 9 of the BRCA1 gene, results from a T to C substitution at nucleotide position 797. The valine at codon 266 is replaced by alanine, an amino acid with similar properties. This amino acid position is not well conserved in available vertebrate species. In addition, the in silico prediction for this alteration is inconclusive. Based on the available evidence, the clinical significance of this variant remains unclear.

NM_007294.4(BRCA1):c.797T>C (p.Val266Ala)

Gene: BRCA1 (BRCA1 DNA repair associated; minus strand). Cytogenetic location: 17q21.31.
Variant type: single nucleotide variant.
Coding change: c.797T>C on transcript NM_007294.4 (MANE Select); coding-DNA position 797, T replaced by C.
Protein change: p.Val266Ala; replaces valine 266 with alanine.
Molecular consequence: missense variant. On other transcripts: intron variant (137), 5 prime UTR variant (2).
Genome position (GRCh38, 1-based): chr17:43,094,734, A>G on the plus strand (T>C on the coding strand, the complement: BRCA1 is on the minus strand). VCF-style: chr17-43094734-A-G. GRCh37 (hg19) VCF-style: chr17-41246751-A-G.
Other names: c.797T>C, p.Val266Ala (NM_001407623.1, NM_001407624.1, NM_001407625.1 and 30 more transcripts); c.794T>C, p.Val265Ala (NM_001407627.1, NM_001407628.1, NM_001407629.1 and 22 more transcripts); c.643+10T>C (NM_001408465.1, NM_001408462.1, NM_001408470.1 and 3 more transcripts); c.577+10T>C (NM_001408482.1, NM_001408485.1, NM_001408514.1 and 9 more transcripts); c.787+10T>C (NM_001407983.1, NM_001408403.1, NM_001407975.1 and 19 more transcripts); c.670+1112T>C (NM_001408419.1, NM_001408418.1, NM_001408423.1 and 2 more transcripts); c.790+7T>C (NM_001408406.1); c.646+10T>C (NM_001408456.1, NM_001408458.1, NM_001408469.1 and 11 more transcripts); and 40 more; short protein forms V139A, V154A, V178A, V195A, V218A, V225A, V263A, V98A.
Identifiers: ClinVar variation 4623860 (VCV004623860.1).
Genomic context (GRCh38, chr17:43,094,734, plus strand): 5'-TCATGCTGTAATGAGCTGGCATGAGTATTTGTGCCACATGGCTCCACATGCAAGTTTGAA[A>G]CAGAACTACCCTGATACTTTTCTGGATGCCTCTCAGCTGCACGCTTCTCAGTGGTGTTCA-3'
Protein context (NP_009225.1, residues 256-276): RHPEKYQGSS[Val266Ala]SNLHVEPCGT